The following is an entry in ClinVar:

NM_000360.4(TH):c.91-20_91-10del

Gene: TH (tyrosine hydroxylase; minus strand). Cytogenetic location: 11p15.5.
Variant type: Deletion.
Coding change: c.91-20_91-10del on transcript NM_000360.4 (MANE Select); 20 bases into the intron before coding-DNA position 91 through 10 bases into the intron before coding-DNA position 91, 11 bases deleted (GGTGCCCCTTG).
Molecular consequence: intron variant.
Genome position (GRCh38, 1-based): chr11:2,169,881-2,169,891, CAAGGGGCACC deleted on the plus strand (GGTGCCCCTTG on the coding strand, the reverse complement: TH is on the minus strand); deleting any 11 consecutive bases within chr11:2,169,881-2,169,893 gives the same sequence; the c. name uses the placement nearest the transcript's 3' end. VCF-style (leftmost placement, unchanged base first): chr11-2169880-ACAAGGGGCACC-A. GRCh37 (hg19) VCF-style: chr11-2191110-ACAAGGGGCACC-A.
Other names: c.172-20_172-10del (NM_199293.3); c.184-20_184-10del (NM_199292.3).
Identifiers: ClinVar variation 1365134 (VCV001365134.6), dbSNP rs2133700266, ClinGen allele CA2573146047.

ClinVar aggregate classification (germline): Uncertain significance (1 of 4 stars; one submission).

Conditions:
TH-deficient dopa-responsive dystonia. Also called: Tyrosine Hydroxylase-Deficient Dopa-Responsive Dystonia; Segawa syndrome, autosomal recessive; DYT-TH. Identifiers: Orphanet 101150, MedGen C2673535, MONDO:0011551, OMIM 605407.

Submission:

Labcorp Genetics (formerly Invitae), Labcorp
Classification: Uncertain significance for TH-deficient dopa-responsive dystonia. Last evaluated: 2021-07-12. Review status: criteria provided, single submitter. Criteria: Invitae Variant Classification Sherloc (09022015). Collection method: clinical testing. Allele origin: germline.
Comment: In summary, the available evidence is currently insufficient to determine the role of this variant in disease. Therefore, it has been classified as a Variant of Uncertain Significance. Algorithms developed to predict the effect of sequence changes on RNA splicing suggest that this variant may disrupt the consensus splice site. This sequence change falls in intron 2 of the TH gene. It does not directly change the encoded amino acid sequence of the TH protein. This variant is not present in population databases (ExAC no frequency). This variant has not been reported in the literature in individuals affected with TH-related conditions.